The following is an entry in ClinVar:

NM_001347721.2(DYRK1A):c.641A>G (p.His214Arg)

Gene: DYRK1A (dual specificity tyrosine phosphorylation regulated kinase 1A; plus strand). Cytogenetic location: 21q22.13.
Variant type: single nucleotide variant.
Coding change: c.641A>G on transcript NM_001347721.2 (MANE Select); coding-DNA position 641, A replaced by G.
Protein change: p.His214Arg; replaces histidine 214 with arginine.
Molecular consequence: missense variant.
Genome position (GRCh38, 1-based): chr21:37,490,178, A>G. VCF-style: chr21-37490178-A-G. GRCh37 (hg19) VCF-style: chr21-38862480-A-G.
Other names: c.641A>G, p.His214Arg (NM_001347722.2, NM_130436.2); c.554A>G, p.His185Arg (NM_001347723.2); c.668A>G, p.His223Arg (NM_001396.5, NM_101395.2, NM_130438.2); short protein forms H223R, H185R, H214R.
Identifiers: ClinVar variation 451981 (VCV000451981.4), dbSNP rs1555984071, ClinGen allele CA409947098.

ClinVar aggregate classification (germline): Conflicting classifications of pathogenicity. Review status: criteria provided, conflicting classifications (1 of 4 stars). 2 submissions from 2 submitters: Uncertain significance (1); Likely benign (1). Last evaluated 2025-04-29.

Conditions:
DYRK1A-related intellectual disability syndrome (MRD7). Also called: Intellectual developmental disorder, autosomal dominant 7; DYRK1A Syndrome. Identifiers: Orphanet 464306, MedGen C5568143, MONDO:0013578, OMIM 614104.

Allele frequency attached by ClinVar (database versions not stated): gnomAD exomes 0.00001.
gnomAD v4.1: 12 of 1,611,316 alleles (0.00074%); highest among the groups gnomAD compares: Non-Finnish European, 0.00076%; no homozygotes.

Submissions (2):

Labcorp Genetics (formerly Invitae), Labcorp
Classification: Uncertain significance for DYRK1A-related intellectual disability syndrome. Last evaluated: 2025-04-29. Review status: criteria provided, single submitter. Criteria: Invitae Variant Classification Sherloc (09022015). Collection method: clinical testing. Allele origin: germline.
Comment: This sequence change replaces histidine, which is basic and polar, with arginine, which is basic and polar, at codon 223 of the DYRK1A protein (p.His223Arg). This variant is not present in population databases (gnomAD no frequency). This variant has not been reported in the literature in individuals affected with DYRK1A-related conditions. ClinVar contains an entry for this variant (Variation ID: 451981). Invitae Evidence Modeling of protein sequence and biophysical properties (such as structural, functional, and spatial information, amino acid conservation, physicochemical variation, residue mobility, and thermodynamic stability) indicates that this missense variant is not expected to disrupt DYRK1A protein function with a negative predictive value of 80%. Experimental studies have shown that this missense change does not substantially affect DYRK1A function (PMID: 30831192). In summary, the available evidence is currently insufficient to determine the role of this variant in disease. Therefore, it has been classified as a Variant of Uncertain Significance.

GeneDx
Classification: Likely benign. Last evaluated: 2018-12-27. Review status: criteria provided, single submitter. Criteria: GeneDx Variant Classification Process June 2021. Collection method: clinical testing. Allele origin: germline. Affected: yes.

Literature cited by the submitters: PubMed 30831192 (cited by Labcorp Genetics (formerly Invitae), Labcorp).